The following is an entry in ClinVar:

NM_013275.6(ANKRD11):c.5983T>C (p.Cys1995Arg)

Gene: ANKRD11 (ankyrin repeat domain containing 11; minus strand). Cytogenetic location: 16q24.3.
Variant type: single nucleotide variant.
Coding change: c.5983T>C on transcript NM_013275.6 (MANE Select); coding-DNA position 5983, T replaced by C.
Protein change: p.Cys1995Arg; replaces cysteine 1995 with arginine.
Molecular consequence: missense variant.
Genome position (GRCh38, 1-based): chr16:89,280,559, A>G on the plus strand (T>C on the coding strand, the complement: ANKRD11 is on the minus strand). VCF-style: chr16-89280559-A-G. GRCh37 (hg19) VCF-style: chr16-89346967-A-G.
Other names: c.5983T>C, p.Cys1995Arg (NM_001256182.2, NM_001256183.2); short protein forms C1995R.
Identifiers: ClinVar variation 1310773 (VCV001310773.2), dbSNP rs1273411084, ClinGen allele CA397152289.

ClinVar aggregate classification (germline): Uncertain significance (1 of 4 stars; one submission).

Allele frequency attached by ClinVar (database versions not stated): gnomAD exomes 0.00001; TOPMed 0.00001.
gnomAD v4.1: 7 of 1,613,168 alleles (0.00043%); highest among the groups gnomAD compares: Non-Finnish European, 0.00059%; no homozygotes.

Submission:

GeneDx
Classification: Uncertain significance. Last evaluated: 2019-12-06. Review status: criteria provided, single submitter. Criteria: GeneDx Variant Classification Process June 2021. Collection method: clinical testing. Allele origin: germline. Affected: yes.
Comment: Not observed at a significant frequency in large population cohorts (Lek et al., 2016); In silico analysis, which includes protein predictors and evolutionary conservation, supports a deleterious effect; Missense variant in a gene in which most reported pathogenic variants are truncating/loss-of-function; Has not been previously published as pathogenic or benign to our knowledge